The following is an entry in ClinVar:

ClinVar aggregate classification (germline): Uncertain significance (1 of 4 stars; one submission).

Submission:

Labcorp Genetics (formerly Invitae), Labcorp
Classification: Uncertain significance. Last evaluated: 2023-01-20. Review status: criteria provided, single submitter. Criteria: Invitae Variant Classification Sherloc (09022015). Collection method: clinical testing. Allele origin: germline.
Comment: In summary, the available evidence is currently insufficient to determine the role of this variant in disease. Therefore, it has been classified as a Variant of Uncertain Significance. Algorithms developed to predict the effect of missense changes on protein structure and function (SIFT, PolyPhen-2, Align-GVGD) all suggest that this variant is likely to be tolerated. This variant has not been reported in the literature in individuals affected with MSH3-related conditions. This variant is not present in population databases (gnomAD no frequency). This sequence change replaces valine, which is neutral and non-polar, with leucine, which is neutral and non-polar, at codon 745 of the MSH3 protein (p.Val745Leu).

NM_002439.5(MSH3):c.2233G>T (p.Val745Leu)

Gene: MSH3 (mutS homolog 3; plus strand). Cytogenetic location: 5q14.1.
Variant type: single nucleotide variant.
Coding change: c.2233G>T on transcript NM_002439.5 (MANE Select); coding-DNA position 2233, G replaced by T.
Protein change: p.Val745Leu; replaces valine 745 with leucine.
Molecular consequence: missense variant.
Genome position (GRCh38, 1-based): chr5:80,768,983, G>T. VCF-style: chr5-80768983-G-T. GRCh37 (hg19) VCF-style: chr5-80064802-G-T.
Other names: short protein forms V745L.
Identifiers: ClinVar variation 2830642 (VCV002830642.3), dbSNP rs2112885306, ClinGen allele CA360279748.